The following is an entry in ClinVar:

NM_015175.3(NBEAL2):c.1370A>G (p.Gln457Arg)

Gene: NBEAL2 (neurobeachin like 2; plus strand). Cytogenetic location: 3p21.31.
Variant type: single nucleotide variant.
Coding change: c.1370A>G on transcript NM_015175.3 (MANE Select); coding-DNA position 1370, A replaced by G.
Protein change: p.Gln457Arg; replaces glutamine 457 with arginine.
Molecular consequence: missense variant.
Genome position (GRCh38, 1-based): chr3:46,995,105, A>G. VCF-style: chr3-46995105-A-G. GRCh37 (hg19) VCF-style: chr3-47036595-A-G.
Other names: c.1268A>G, p.Gln423Arg (NM_001365116.2); short protein forms Q423R, Q457R.
Identifiers: ClinVar variation 1801046 (VCV001801046.1), dbSNP rs1170204640, ClinGen allele CA352507314.
Genomic context (GRCh38, chr3:46,995,105, plus strand): 5'-ACCACAGCATGTGCCCACCTCCACCAATCCGCAACGAGCAGCCGGTACTGGTGCTGGCGC[A>G]GTGGCTGCCGTCATTGCCCACCGCTGAGCTGCGGCTCTTCCTAGCGCAACGCCTCAGGTG-3'
Protein context (NP_055990.1, residues 447-467): RNEQPVLVLA[Gln457Arg]WLPSLPTAEL

ClinVar aggregate classification (germline): Uncertain significance (1 of 4 stars; one submission).

Allele frequency attached by ClinVar (database versions not stated): gnomAD exomes 0.00001; TOPMed 0.00001.

Submission:

GeneDx
Classification: Uncertain significance. Last evaluated: 2022-05-24. Review status: criteria provided, single submitter. Criteria: GeneDx Variant Classification Process June 2021. Collection method: clinical testing. Allele origin: germline. Affected: yes.
Comment: In silico analysis supports that this missense variant does not alter protein structure/function; Has not been previously published as pathogenic or benign to our knowledge